The following is an entry in ClinVar:

NM_000094.4(COL7A1):c.6079C>T (p.Pro2027Ser)

Gene: COL7A1 (collagen type VII alpha 1 chain; minus strand). Cytogenetic location: 3p21.31.
Variant type: single nucleotide variant.
Coding change: c.6079C>T on transcript NM_000094.4 (MANE Select); coding-DNA position 6079, C replaced by T.
Protein change: p.Pro2027Ser; replaces proline 2027 with serine.
Molecular consequence: missense variant.
Genome position (GRCh38, 1-based): chr3:48,575,440, G>A on the plus strand (C>T on the coding strand, the complement: COL7A1 is on the minus strand). VCF-style: chr3-48575440-G-A. GRCh37 (hg19) VCF-style: chr3-48612873-G-A.
Other names: short protein forms P2027S.
Identifiers: ClinVar variation 2887731 (VCV002887731.3), dbSNP rs1211695415, ClinGen allele CA352663371.

ClinVar aggregate classification (germline): Uncertain significance (1 of 4 stars; one submission).

Submission:

Labcorp Genetics (formerly Invitae), Labcorp
Classification: Uncertain significance. Last evaluated: 2023-12-19. Review status: criteria provided, single submitter. Criteria: Invitae Variant Classification Sherloc (09022015). Collection method: clinical testing. Allele origin: germline.
Comment: This sequence change replaces proline, which is neutral and non-polar, with serine, which is neutral and polar, at codon 2027 of the COL7A1 protein (p.Pro2027Ser). This variant is not present in population databases (gnomAD no frequency). This variant has not been reported in the literature in individuals affected with COL7A1-related conditions. Advanced modeling of protein sequence and biophysical properties (such as structural, functional, and spatial information, amino acid conservation, physicochemical variation, residue mobility, and thermodynamic stability) performed at Invitae indicates that this missense variant is not expected to disrupt COL7A1 protein function with a negative predictive value of 95%. In summary, the available evidence is currently insufficient to determine the role of this variant in disease. Therefore, it has been classified as a Variant of Uncertain Significance.